The following is an entry in ClinVar:

ClinVar aggregate classification (germline): Likely pathogenic (1 of 4 stars; one submission).

Conditions:
Norum disease. Also called: Familial lecithin cholesterol acyltransferase deficiency. Identifiers: Orphanet 79293, MedGen C0023195, MONDO:0009515, OMIM 245900.

Submission:

Neuberg Centre For Genomic Medicine, NCGM
Classification: Likely pathogenic for Norum disease. Review status: criteria provided, single submitter. Criteria: ACMG Guidelines, 2015. Collection method: clinical testing. Allele origin: germline. Inheritance: Autosomal recessive inheritance. Affected: yes.
Comment: The splice site c.428-2A>T variant in LCAT gene has not been reported previously as a pathogenic variant nor as a benign variant, to our knowledge. It has been reported in individuals affected with Nephrotic syndrome (Takahashi et al., 2013). The variant is novel (not in any individuals) in gnomAD Exomes and 1000 Genomes. The nucleotide change in LCAT is predicted as conserved by GERP++ and PhyloP across 100 vertebrates. Loss of function variants have been previously reported to be disease causing. For these reasons, this variant has been classified as Likely Pathogenic.

NM_000229.2(LCAT):c.428-2A>T

Gene: LCAT (lecithin-cholesterol acyltransferase; minus strand). Cytogenetic location: 16q22.1.
Variant type: single nucleotide variant.
Coding change: c.428-2A>T on transcript NM_000229.2 (MANE Select); the canonical splice acceptor site of the intron before coding-DNA position 428, A replaced by T.
Molecular consequence: splice acceptor variant.
Genome position (GRCh38, 1-based): chr16:67,942,768, T>A on the plus strand (A>T on the coding strand, the complement: LCAT is on the minus strand). VCF-style: chr16-67942768-T-A. GRCh37 (hg19) VCF-style: chr16-67976671-T-A.
Identifiers: ClinVar variation 2585273 (VCV002585273.1), dbSNP rs2544406643, ClinGen allele CA396380477.